The following is an entry in ClinVar:

ClinVar aggregate classification (germline): Uncertain significance. Review status: criteria provided, multiple submitters, no conflicts (2 of 4 stars). 2 submissions from 2 submitters: Uncertain significance (2). Last evaluated 2025-09-21.

Conditions:
Cohen syndrome (COH1). Also called: Cutis verticis gyrata, retinitis pigmentosa, and sensorineural deafness; PEPPER SYNDROME. Identifiers: Orphanet 193, MedGen C0265223, MONDO:0008999, OMIM 216550.

Allele frequency attached by ClinVar (database versions not stated): gnomAD exomes below 0.00001.
gnomAD v4.1: 8 of 1,613,752 alleles (0.0005%); highest among the groups gnomAD compares: East Asian, 0.0045%; no homozygotes.

Submissions (2):

Labcorp Genetics (formerly Invitae), Labcorp
Classification: Uncertain significance for Cohen syndrome. Last evaluated: 2025-09-21. Review status: criteria provided, single submitter. Criteria: Invitae Variant Classification Sherloc (09022015). Collection method: clinical testing. Allele origin: germline.
Comment: This sequence change replaces proline, which is neutral and non-polar, with threonine, which is neutral and polar, at codon 3253 of the VPS13B protein (p.Pro3253Thr). This variant is not present in population databases (gnomAD no frequency). This variant has not been reported in the literature in individuals affected with VPS13B-related conditions. ClinVar contains an entry for this variant (Variation ID: 2187830). Invitae Evidence Modeling of protein sequence and biophysical properties (such as structural, functional, and spatial information, amino acid conservation, physicochemical variation, residue mobility, and thermodynamic stability) indicates that this missense variant is expected to disrupt VPS13B protein function with a positive predictive value of 80%. In summary, the available evidence is currently insufficient to determine the role of this variant in disease. Therefore, it has been classified as a Variant of Uncertain Significance.

Blueprint Genetics
Classification: Uncertain significance. Last evaluated: 2023-06-05. Review status: criteria provided, single submitter. Criteria: ACMG Guidelines, 2015. Collection method: clinical testing. Allele origin: germline.

NM_152564.5(VPS13B):c.9682C>A (p.Pro3228Thr)

Gene: VPS13B (vacuolar protein sorting 13 homolog B; plus strand). Cytogenetic location: 8q22.2.
Variant type: single nucleotide variant.
Coding change: c.9682C>A on transcript NM_152564.5 (MANE Select); coding-DNA position 9682, C replaced by A.
Protein change: p.Pro3228Thr; replaces proline 3228 with threonine.
Molecular consequence: missense variant.
Genome position (GRCh38, 1-based): chr8:99,835,264, C>A. VCF-style: chr8-99835264-C-A. GRCh37 (hg19) VCF-style: chr8-100847492-C-A.
Other names: c.9757C>A, p.Pro3253Thr (NM_017890.5); short protein forms P3253T, P3228T.
Identifiers: ClinVar variation 2187830 (VCV002187830.4), dbSNP rs1563499426, ClinGen allele CA371782621.